The following is an entry in ClinVar:

ClinVar aggregate classification (germline): Pathogenic (1 of 4 stars; one submission).

Conditions:
Duchenne muscular dystrophy (DMD). Also called: Duchenne Muscular Dystrophy (DMD); MUSCULAR DYSTROPHY, PSEUDOHYPERTROPHIC PROGRESSIVE, DUCHENNE TYPE. Identifiers: Orphanet 98896, MedGen C0013264, MONDO:0010679, OMIM 310200.

Submission:

Labcorp Genetics (formerly Invitae), Labcorp
Classification: Pathogenic for Duchenne muscular dystrophy. Last evaluated: 2022-12-06. Review status: criteria provided, single submitter. Criteria: Invitae Variant Classification Sherloc (09022015). Collection method: clinical testing. Allele origin: germline.
Comment: For these reasons, this variant has been classified as Pathogenic. ClinVar contains an entry for this variant (Variation ID: 836051). This premature translational stop signal has been observed in individuals with clinical features of Duchenne muscular dystrophy (PMID: 19760747; Invitae). This variant is not present in population databases (gnomAD no frequency). This sequence change creates a premature translational stop signal (p.Lys1116Argfs*37) in the DMD gene. It is expected to result in an absent or disrupted protein product. Loss-of-function variants in DMD are known to be pathogenic (PMID: 16770791, 25007885).

Literature cited by the submitters: PubMed 19760747; PubMed 16770791; PubMed 25007885.

NM_004006.3(DMD):c.3347del (p.Lys1116fs)

Gene: DMD (dystrophin; minus strand). Cytogenetic location: Xp21.1.
Variant type: Deletion.
Coding change: c.3347del on transcript NM_004006.3 (MANE Select); coding-DNA position 3347, one base deleted (A; older notation c.3347delA).
Protein change: p.Lys1116fs; shifts the reading frame from lysine 1116.
Molecular consequence: frameshift variant.
Genome position (GRCh38, 1-based): chrX:32,463,524, T deleted on the plus strand (A on the coding strand, the reverse complement: DMD is on the minus strand); the first of 3 consecutive T bases (chrX:32,463,524-32,463,526); deleting any one gives the same sequence. VCF-style (leftmost placement, unchanged base first): chrX-32463523-CT-C. GRCh37 (hg19) VCF-style: chrX-32481640-CT-C.
Other names: c.3323del, p.Lys1108fs (NM_000109.4); c.3335del, p.Lys1112fs (NM_004009.3); c.2978del, p.Lys993fs (NM_004010.3); short protein forms K1116fs, K1108fs, K1112fs, K993fs.
Identifiers: ClinVar variation 836051 (VCV000836051.10), dbSNP rs2098390819, ClinGen allele CA916081262.